The following is an entry in ClinVar:

NM_000702.4(ATP1A2):c.381+13G>T

Gene: ATP1A2 (ATPase Na+/K+ transporting subunit alpha 2; plus strand). Cytogenetic location: 1q23.2.
Variant type: single nucleotide variant.
Coding change: c.381+13G>T on transcript NM_000702.4 (MANE Select); 13 bases into the intron after coding-DNA position 381, G replaced by T.
Molecular consequence: intron variant.
Genome position (GRCh38, 1-based): chr1:160,123,429, G>T. VCF-style: chr1-160123429-G-T. GRCh37 (hg19) VCF-style: chr1-160093219-G-T.
Identifiers: ClinVar variation 386953 (VCV000386953.11), dbSNP rs772082739, ClinGen allele CA16603436.

ClinVar aggregate classification (germline): Likely benign. Review status: criteria provided, multiple submitters, no conflicts (2 of 4 stars). 3 submissions from 3 submitters: Likely benign (3). Last evaluated 2025-12-18.

Conditions:
Familial hemiplegic migraine. Identifiers: MedGen C0338484, MONDO:0000700.

gnomAD v4.1: 2 of 1,614,090 alleles (0.00012%); highest among the groups gnomAD compares: African/African-American, 0.0027%; no homozygotes.

Submissions (3):

Labcorp Genetics (formerly Invitae), Labcorp
Classification: Likely benign for Familial hemiplegic migraine. Last evaluated: 2025-12-18. Review status: criteria provided, single submitter. Criteria: Invitae Variant Classification Sherloc (09022015). Collection method: clinical testing. Allele origin: germline.

Blueprint Genetics
Classification: Likely benign. Last evaluated: 2020-11-05. Review status: criteria provided, single submitter. Criteria: ACMG Guidelines, 2015. Collection method: clinical testing. Allele origin: germline.

GeneDx
Classification: Likely benign. Last evaluated: 2016-06-21. Review status: criteria provided, single submitter. Criteria: GeneDx Variant Classification (06012015). Collection method: clinical testing. Allele origin: germline. Affected: yes.
Comment: This variant is considered likely benign or benign based on one or more of the following criteria: it is a conservative change, it occurs at a poorly conserved position in the protein, it is predicted to be benign by multiple in silico algorithms, and/or has population frequency not consistent with disease.